The following is an entry in ClinVar:

ClinVar aggregate classification (germline): Uncertain significance (1 of 4 stars; one submission).

Conditions:
PEX12-related disorder. Also called: PEX12-related condition; PEX12-related disorders.

Submission:

PreventionGenetics, part of Exact Sciences
Classification: Uncertain significance for PEX12-related condition. Last evaluated: 2025-07-15. Review status: criteria provided, single submitter. Criteria: ACMG Guidelines, 2015. Collection method: clinical testing. Allele origin: germline.
Comment: The PEX12 c.434T>A variant is predicted to result in the amino acid substitution p.Ile145Asn. To our knowledge, this variant has not been reported in the literature or in a large population database (gnomAD), indicating this variant is rare. At this time, the clinical significance of this variant is uncertain due to the absence of conclusive functional and genetic evidence.

NM_000286.3(PEX12):c.434T>A (p.Ile145Asn)

Gene: PEX12 (peroxisomal biogenesis factor 12; minus strand). Cytogenetic location: 17q12.
Variant type: single nucleotide variant.
Coding change: c.434T>A on transcript NM_000286.3 (MANE Select); coding-DNA position 434, T replaced by A.
Protein change: p.Ile145Asn; replaces isoleucine 145 with asparagine.
Molecular consequence: missense variant.
Genome position (GRCh38, 1-based): chr17:35,577,284, A>T on the plus strand (T>A on the coding strand, the complement: PEX12 is on the minus strand). VCF-style: chr17-35577284-A-T. GRCh37 (hg19) VCF-style: chr17-33904303-A-T.
Other names: short protein forms I145N.
Identifiers: ClinVar variation 5001760 (VCV005001760.1).